The following is an entry in ClinVar:

NM_002474.3(MYH11):c.3389A>G (p.Glu1130Gly)

Gene: MYH11 (myosin heavy chain 11; minus strand). Cytogenetic location: 16p13.11.
Variant type: single nucleotide variant.
Coding change: c.3389A>G on transcript NM_002474.3 (MANE Select); coding-DNA position 3389, A replaced by G.
Protein change: p.Glu1130Gly; replaces glutamic acid 1130 with glycine.
Molecular consequence: missense variant.
Genome position (GRCh38, 1-based): chr16:15,735,483, T>C on the plus strand (A>G on the coding strand, the complement: MYH11 is on the minus strand). VCF-style: chr16-15735483-T-C. GRCh37 (hg19) VCF-style: chr16-15829340-T-C.
Other names: c.3410A>G, p.Glu1137Gly (NM_001040113.2, NM_001040114.2); c.3389A>G, p.Glu1130Gly (NM_022844.3); c.3389A>G (NM_002474.2); short protein forms E1137G, E1130G.
Identifiers: ClinVar variation 534146 (VCV000534146.14), dbSNP rs1412932117, ClinGen allele CA394861974.
Genomic context (GRCh38, chr16:15,735,483, plus strand): 5'-GCCTCCAGCTCCTCGCCGAGGTCTCGCTTCTGCTTTTCAGCCTTGTTCCTGGCGGCCCGC[T>C]CTGAGTCCAGGTCCTCCTGGAGGTCTGAGATGTGGCCCTCCAGCTCCCGGATCTTCTTCA-3'
Protein context (NP_002465.1, residues 1120-1140): ISDLQEDLDS[Glu1130Gly]RAARNKAEKQ

ClinVar aggregate classification (germline): Uncertain significance. Review status: criteria provided, multiple submitters, no conflicts (2 of 4 stars). 5 submissions from 5 submitters: Uncertain significance (5). Last evaluated 2026-04-16.

Conditions:
Aortic aneurysm, familial thoracic 4 (AAT4). Also called: AORTIC ANEURYSM/AORTIC DISSECTION AND PATENT DUCTUS ARTERIOSUS. Identifiers: MedGen C1851504, MONDO:0007568, OMIM 132900.
Familial thoracic aortic aneurysm and aortic dissection (TAAD). Also called: Thoracic aortic aneurysms and dissections. Identifiers: Orphanet 91387, MedGen C4707243, MONDO:0019625.

Allele frequency attached by ClinVar (database versions not stated): gnomAD exomes 0.00002.
gnomAD v4.1: 24 of 1,614,126 alleles (0.0015%); highest among the groups gnomAD compares: Non-Finnish European, 0.002%; 1 homozygote.

Submissions (5):

GeneDx
Classification: Uncertain significance. Last evaluated: 2026-04-16. Review status: criteria provided, single submitter. Criteria: GeneDx Variant Classification Process June 2021. Collection method: clinical testing. Allele origin: germline.
Comment: Not observed at significant frequency in large population cohorts (gnomAD); In silico analysis supports that this missense variant has a deleterious effect on protein structure/function; Has not been previously published as pathogenic or benign to our knowledge

Color Diagnostics, LLC DBA Color Health
Classification: Uncertain significance for Familial thoracic aortic aneurysm and aortic dissection. Last evaluated: 2025-07-25. Review status: criteria provided, single submitter. Criteria: ACMG Guidelines, 2015. Collection method: clinical testing. Allele origin: germline.
Comment: This missense variant replaces glutamic acid with glycine at codon 1137 of the MYH11 protein. Computational prediction suggests that this variant may have deleterious impact on protein structure and function. To our knowledge, functional studies have not been reported for this variant. This variant has not been reported in individuals affected with MYH11-related disorders in the literature. This variant has been identified in 4/251488 chromosomes in the general population by the Genome Aggregation Database (gnomAD). The available evidence is insufficient to determine the role of this variant in disease conclusively. Therefore, this variant is classified as a Variant of Uncertain Significance.

Ambry Genetics
Classification: Uncertain significance for Familial thoracic aortic aneurysm and aortic dissection. Last evaluated: 2025-04-13. Review status: criteria provided, single submitter. Criteria: Ambry Variant Classification Scheme 2023. Collection method: clinical testing. Allele origin: germline.
Comment: The p.E1130G variant (also known as c.3389A>G), located in coding exon 25 of the MYH11 gene, results from an A to G substitution at nucleotide position 3389. The glutamic acid at codon 1130 is replaced by glycine, an amino acid with similar properties. This amino acid position is conserved. In addition, this alteration is predicted to be deleterious by in silico analysis. Based on the available evidence, the clinical significance of this variant remains unclear.

Labcorp Genetics (formerly Invitae), Labcorp
Classification: Uncertain significance for Aortic aneurysm, familial thoracic 4. Last evaluated: 2024-05-02. Review status: criteria provided, single submitter. Criteria: Invitae Variant Classification Sherloc (09022015). Collection method: clinical testing. Allele origin: germline.
Comment: This sequence change replaces glutamic acid, which is acidic and polar, with glycine, which is neutral and non-polar, at codon 1137 of the MYH11 protein (p.Glu1137Gly). This variant is present in population databases (no rsID available, gnomAD 0.004%), including at least one homozygous and/or hemizygous individual. This variant has not been reported in the literature in individuals affected with MYH11-related conditions. ClinVar contains an entry for this variant (Variation ID: 534146). Advanced modeling of protein sequence and biophysical properties (such as structural, functional, and spatial information, amino acid conservation, physicochemical variation, residue mobility, and thermodynamic stability) has been performed at Invitae for this missense variant, however the output from this modeling did not meet the statistical confidence thresholds required to predict the impact of this variant on MYH11 protein function. In summary, the available evidence is currently insufficient to determine the role of this variant in disease. Therefore, it has been classified as a Variant of Uncertain Significance.

All of Us Research Program, National Institutes of Health
Classification: Uncertain significance for Familial thoracic aortic aneurysm and aortic dissection. Last evaluated: 2023-03-09. Review status: criteria provided, single submitter. Criteria: ACMG Guidelines, 2015. Collection method: clinical testing. Allele origin: germline. Inheritance: Autosomal dominant inheritance. Observed: 1 variant allele, 1 heterozygote.
Comment: This missense variant replaces glutamic acid with glycine at codon 1137 of the MYH11 protein. Computational prediction suggests that this variant may have deleterious impact on protein structure and function (internally defined REVEL score threshold >= 0.7, PMID: 27666373). To our knowledge, functional studies have not been reported for this variant. This variant has not been reported in individuals affected with MYH11-related disorders in the literature. This variant has been identified in 4/251488 chromosomes in the general population by the Genome Aggregation Database (gnomAD). The available evidence is insufficient to determine the role of this variant in disease conclusively. Therefore, this variant is classified as a Variant of Uncertain Significance.

This study involves interpretation of variants in research participants for the purpose of population health screening. Participant phenotype was not available at the time of variant classification. Additional details can be found in publication PMID: 35346344, PMCID: PMC8962531